The following is an entry in ClinVar:

ClinVar aggregate classification (germline): Likely benign. Review status: criteria provided, single submitter (1 of 4 stars). 2 submissions from 2 submitters: Likely benign (1). 1 of the submissions does not count toward it. Last evaluated 2026-01-05.

Conditions:
Autosomal recessive limb-girdle muscular dystrophy type 2J (LGMDR10). Also called: Limb-girdle muscular dystrophy, type 2J; MUSCULAR DYSTROPHY, LIMB-GIRDLE, AUTOSOMAL RECESSIVE 10. Identifiers: Orphanet 140922, MedGen C1837342, MONDO:0012127, OMIM 608807.
Dilated cardiomyopathy 1G (CMD1G). Identifiers: Orphanet 154, MedGen C1858763, MONDO:0011400, OMIM 604145.
TTN-related disorder. Also called: TTN-related disorders; TTN-related condition; TTN-related disease.

Allele frequency attached by ClinVar (database versions not stated): gnomAD exomes 0.00001 and 0.00005; gnomAD 0.00003; TOPMed 0.00003; ExAC 0.00005.
gnomAD v4.1: 14 of 1,613,824 alleles (0.00087%); highest among the groups gnomAD compares: Admixed American, 0.022%; no homozygotes.

Submissions (2):

Labcorp Genetics (formerly Invitae), Labcorp
Classification: Likely benign for Dilated cardiomyopathy 1G; Autosomal recessive limb-girdle muscular dystrophy type 2J. Last evaluated: 2026-01-05. Review status: criteria provided, single submitter. Criteria: Invitae Variant Classification Sherloc (09022015). Collection method: clinical testing. Allele origin: germline.

PreventionGenetics, part of Exact Sciences
Classification: Likely benign for TTN-related condition. Last evaluated: 2022-05-16. Review status: no assertion criteria provided. Collection method: clinical testing. Allele origin: germline. Not counted in ClinVar's aggregate classification.
Comment: This variant is classified as likely benign based on ACMG/AMP sequence variant interpretation guidelines (Richards et al. 2015 PMID: 25741868, with internal and published modifications).

NM_001267550.2(TTN):c.16752T>A (p.Ile5584=)

Gene: TTN (titin; minus strand). Cytogenetic location: 2q31.2.
Variant type: single nucleotide variant.
Coding change: c.16752T>A on transcript NM_001267550.2 (MANE Select); coding-DNA position 16752, T replaced by A.
Protein change: p.Ile5584=; no amino-acid change (isoleucine 5584 retained).
Molecular consequence: synonymous variant. On other transcripts: intron variant (3).
Genome position (GRCh38, 1-based): chr2:178,732,217, A>T on the plus strand (T>A on the coding strand, the complement: TTN is on the minus strand). VCF-style: chr2-178732217-A-T. GRCh37 (hg19) VCF-style: chr2-179596944-A-T.
Other names: c.15801T>A, p.Ile5267= (NM_001256850.1); c.13020T>A, p.Ile4340= (NM_133378.4); c.13282+5865T>A (NM_003319.4); c.13858+5865T>A (NM_133437.4); c.13657+5865T>A (NM_133432.3).
Identifiers: ClinVar variation 535476 (VCV000535476.11), dbSNP rs758374634, ClinGen allele CA2001979.